The following is an entry in ClinVar:

NM_004448.4(ERBB2):c.382C>G (p.Pro128Ala)

Gene: ERBB2 (erb-b2 receptor tyrosine kinase 2; plus strand). Cytogenetic location: 17q12.
Variant type: single nucleotide variant.
Coding change: c.382C>G on transcript NM_004448.4 (MANE Select); coding-DNA position 382, C replaced by G.
Protein change: p.Pro128Ala; replaces proline 128 with alanine.
Molecular consequence: missense variant. On other transcripts: non-coding transcript variant (1), intron variant (1).
Genome position (GRCh38, 1-based): chr17:39,708,477, C>G. VCF-style: chr17-39708477-C-G. GRCh37 (hg19) VCF-style: chr17-37864730-C-G.
Other names: c.292C>G, p.Pro98Ala (NM_001005862.3, NM_001289938.2, NM_001382782.1 and 1 more transcripts); c.337C>G, p.Pro113Ala (NM_001289936.2); c.382C>G, p.Pro128Ala (NM_001289937.2, NM_001382784.1, NM_001382785.1 and 19 more transcripts); c.373C>G, p.Pro125Ala (NM_001382791.1); c.74-3451C>G (NM_001382804.1); short protein forms P98A, P125A, P113A, P128A.
Identifiers: ClinVar variation 2889535 (VCV002889535.3), dbSNP rs761564667, ClinGen allele CA8533609.

ClinVar aggregate classification (germline): Uncertain significance (1 of 4 stars; one submission).

Allele frequency attached by ClinVar (database versions not stated): ExAC 0.00002.

Submission:

Labcorp Genetics (formerly Invitae), Labcorp
Classification: Uncertain significance. Last evaluated: 2023-10-09. Review status: criteria provided, single submitter. Criteria: Invitae Variant Classification Sherloc (09022015). Collection method: clinical testing. Allele origin: germline.
Comment: This sequence change replaces proline, which is neutral and non-polar, with alanine, which is neutral and non-polar, at codon 128 of the ERBB2 protein (p.Pro128Ala). This variant is present in population databases (rs761564667, gnomAD 0.01%). This variant has not been reported in the literature in individuals affected with ERBB2-related conditions. Algorithms developed to predict the effect of missense changes on protein structure and function output the following: SIFT: "Not Available"; PolyPhen-2: "Benign"; Align-GVGD: "Not Available". The alanine amino acid residue is found in multiple mammalian species, which suggests that this missense change does not adversely affect protein function. In summary, the available evidence is currently insufficient to determine the role of this variant in disease. Therefore, it has been classified as a Variant of Uncertain Significance.